The following is an entry in ClinVar:

NM_003803.4(MYOM1):c.4462T>G (p.Leu1488Val)

Gene: MYOM1 (myomesin 1; minus strand). Cytogenetic location: 18p11.31.
Variant type: single nucleotide variant.
Coding change: c.4462T>G on transcript NM_003803.4 (MANE Select); coding-DNA position 4462, T replaced by G.
Protein change: p.Leu1488Val; replaces leucine 1488 with valine.
Molecular consequence: missense variant.
Genome position (GRCh38, 1-based): chr18:3,083,811, A>C on the plus strand (T>G on the coding strand, the complement: MYOM1 is on the minus strand). VCF-style: chr18-3083811-A-C. GRCh37 (hg19) VCF-style: chr18-3083809-A-C.
Other names: c.4174T>G, p.Leu1392Val (NM_019856.2); short protein forms L1392V, L1488V.
Identifiers: ClinVar variation 2329554 (VCV002329554.3), dbSNP rs1378806386, ClinGen allele CA401709501.
Genomic context (GRCh38, chr18:3,083,811, plus strand): 5'-AGAATTTCTACACAGCAAGTAAGTTCTCATTTACTTACTTGTGGGACCAGTTAACTTTCA[A>C]ATCCTCCACATAGTAAGTTACAAAAGAGTACAGTTGGATGCCCTCGGCTGTGCTCTGGAT-3'
Protein context (NP_003794.3, residues 1478-1498): YSFVTYYVED[Leu1488Val]KVNWSHNGSA

ClinVar aggregate classification (germline): Uncertain significance (1 of 4 stars; one submission).

Allele frequency attached by ClinVar (database versions not stated): TOPMed 0.00001; gnomAD exomes below 0.00001; gnomAD 0.00001.
gnomAD v4.1: 4 of 1,574,272 alleles (0.00025%); highest among the groups gnomAD compares: African/African-American, 0.0013%; no homozygotes.

Submission:

Ambry Genetics
Classification: Uncertain significance. Last evaluated: 2026-06-14. Review status: criteria provided, single submitter. Criteria: Ambry Variant Classification Scheme 2023. Collection method: clinical testing. Allele origin: germline.
Comment: The p.L1488V variant (also known as c.4462T>G), located in coding exon 32 of the MYOM1 gene, results from a T to G substitution at nucleotide position 4462. The leucine at codon 1488 is replaced by valine, an amino acid with highly similar properties. This amino acid position is conserved. In addition, this alteration is predicted to be tolerated by in silico analysis. Based on the available evidence, the clinical significance of this variant remains unclear.